The following is an entry in ClinVar:

ClinVar aggregate classification (germline): Uncertain significance (1 of 4 stars; one submission).

Conditions:
Facioscapulohumeral muscular dystrophy 2 (FSHD2). Also called: MUSCULAR DYSTROPHY, FACIOSCAPULOHUMERAL, TYPE 1B; FACIOSCAPULOHUMERAL MUSCULAR DYSTROPHY 2, DIGENIC; FSHD2, DIGENIC. Identifiers: Orphanet 269, MedGen C1834671, MONDO:0008031, OMIM 158901.

Submission:

Labcorp Genetics (formerly Invitae), Labcorp
Classification: Uncertain significance for Facioscapulohumeral muscular dystrophy 2. Last evaluated: 2025-07-09. Review status: criteria provided, single submitter. Criteria: Invitae Variant Classification Sherloc (09022015). Collection method: clinical testing. Allele origin: germline.
Comment: This sequence change replaces glutamine, which is neutral and polar, with proline, which is neutral and non-polar, at codon 1699 of the SMCHD1 protein (p.Gln1699Pro). This variant is not present in population databases (gnomAD no frequency). This variant has not been reported in the literature in individuals affected with SMCHD1-related conditions. Invitae Evidence Modeling of protein sequence and biophysical properties (such as structural, functional, and spatial information, amino acid conservation, physicochemical variation, residue mobility, and thermodynamic stability) indicates that this missense variant is not expected to disrupt SMCHD1 protein function with a negative predictive value of 80%. In summary, the available evidence is currently insufficient to determine the role of this variant in disease. Therefore, it has been classified as a Variant of Uncertain Significance.

NM_015295.3(SMCHD1):c.5096A>C (p.Gln1699Pro)

Gene: SMCHD1 (structural maintenance of chromosomes flexible hinge domain containing 1; plus strand). Cytogenetic location: 18p11.32.
Variant type: single nucleotide variant.
Coding change: c.5096A>C on transcript NM_015295.3 (MANE Select); coding-DNA position 5096, A replaced by C.
Protein change: p.Gln1699Pro; replaces glutamine 1699 with proline.
Molecular consequence: missense variant.
Genome position (GRCh38, 1-based): chr18:2,772,293, A>C. VCF-style: chr18-2772293-A-C. GRCh37 (hg19) VCF-style: chr18-2772291-A-C.
Other names: short protein forms Q1699P.
Identifiers: ClinVar variation 4745440 (VCV004745440.1).
Genomic context (GRCh38, chr18:2,772,293, plus strand): 5'-TTCTTTATAAATTATAGGTGCCACACATTGAAGCACTTCTGAAAAGAAAGCTATCAGAAC[A>C]AGAAGAACTGAAGAAAAAACCTAGAAGATCGTGTACTCTTCCAAACTATACTAAAGGCAG-3'
Protein context (NP_056110.2, residues 1689-1709): EALLKRKLSE[Gln1699Pro]EELKKKPRRS